The following is an entry in ClinVar:

ClinVar aggregate classification (germline): Likely pathogenic (1 of 4 stars; one submission).

Submission:

Labcorp Genetics (formerly Invitae), Labcorp
Classification: Likely pathogenic. Last evaluated: 2022-08-12. Review status: criteria provided, single submitter. Criteria: Invitae Variant Classification Sherloc (09022015). Collection method: clinical testing. Allele origin: germline.
Comment: In summary, the currently available evidence indicates that the variant is pathogenic, but additional data are needed to prove that conclusively. Therefore, this variant has been classified as Likely Pathogenic. This variant has not been reported in the literature in individuals affected with EYS-related conditions. This variant results in a copy number gain of the genomic region encompassing exon(s) 8-12 of the EYS gene. While the exact position of this variant cannot be determined from the data, sub-genic copy number gains are generally in tandem (PMID: 25640679). This variant is predicted to be out-of-frame, and may result in an absent or disrupted protein product. Loss-of-function variants in EYS are known to be pathogenic (PMID: 18836446, 20333770).

Literature cited by the submitters: PubMed 25640679; PubMed 18836446; PubMed 20333770.

NC_000006.11:g.(?_66005736)_(66094413_?)dup

Gene: EYS (eyes shut homolog; minus strand). Cytogenetic location: 6q12.
Variant type: Duplication.
Identifiers: ClinVar variation 2423862 (VCV002423862.4).